The following is an entry in ClinVar:

NM_000094.4(COL7A1):c.1561G>A (p.Gly521Arg)

Gene: COL7A1 (collagen type VII alpha 1 chain; minus strand). Cytogenetic location: 3p21.31.
Variant type: single nucleotide variant.
Coding change: c.1561G>A on transcript NM_000094.4 (MANE Select); coding-DNA position 1561, G replaced by A.
Protein change: p.Gly521Arg; replaces glycine 521 with arginine.
Molecular consequence: missense variant.
Genome position (GRCh38, 1-based): chr3:48,591,539, C>T on the plus strand (G>A on the coding strand, the complement: COL7A1 is on the minus strand). VCF-style: chr3-48591539-C-T. GRCh37 (hg19) VCF-style: chr3-48628972-C-T.
Other names: c.1561G>A (NM_000094.3); short protein forms G521R.
Identifiers: ClinVar variation 990871 (VCV000990871.4), dbSNP rs1383489466, ClinGen allele CA352733117.

ClinVar aggregate classification (germline): Uncertain significance. Review status: criteria provided, multiple submitters, no conflicts (2 of 4 stars). 4 submissions from 4 submitters: Uncertain significance (3). 1 of the submissions does not count toward it. Last evaluated 2025-08-27.

Conditions:
Inborn genetic diseases. Identifiers: MedGen C0950123, MeSH D030342.
Epidermolysis bullosa dystrophica inversa, autosomal recessive. Identifiers: MedGen C2673612.

Allele frequency attached by ClinVar (database versions not stated): gnomAD exomes below 0.00001 and 0.00001; TOPMed below 0.00001; gnomAD 0.00001.
gnomAD v4.1: 11 of 1,613,934 alleles (0.00068%); highest among the groups gnomAD compares: Middle Eastern, 0.017%; no homozygotes.

Submissions (4):

Labcorp Genetics (formerly Invitae), Labcorp
Classification: Uncertain significance. Last evaluated: 2025-08-27. Review status: criteria provided, single submitter. Criteria: Invitae Variant Classification Sherloc (09022015). Collection method: clinical testing. Allele origin: germline.
Comment: This sequence change replaces glycine, which is neutral and non-polar, with arginine, which is basic and polar, at codon 521 of the COL7A1 protein (p.Gly521Arg). This variant is present in population databases (no rsID available, gnomAD 0.003%). This variant has not been reported in the literature in individuals affected with COL7A1-related conditions. ClinVar contains an entry for this variant (Variation ID: 990871). Invitae Evidence Modeling of protein sequence and biophysical properties (such as structural, functional, and spatial information, amino acid conservation, physicochemical variation, residue mobility, and thermodynamic stability) indicates that this missense variant is not expected to disrupt COL7A1 protein function with a negative predictive value of 95%. In summary, the available evidence is currently insufficient to determine the role of this variant in disease. Therefore, it has been classified as a Variant of Uncertain Significance.

Ambry Genetics
Classification: Uncertain significance for Inborn genetic diseases. Last evaluated: 2025-08-06. Review status: criteria provided, single submitter. Criteria: Ambry Variant Classification Scheme 2023. Collection method: clinical testing. Allele origin: germline.

Women's Health and Genetics/Laboratory Corporation of America, LabCorp
Classification: Uncertain significance. Last evaluated: 2024-05-01. Review status: criteria provided, single submitter. Criteria: LabCorp Variant Classification Summary - May 2015. Collection method: clinical testing. Allele origin: germline.

Natera, Inc.
Classification: Uncertain significance for Autosomal recessive epidermolysis bullosa dystrophica inversa. Last evaluated: 2020-11-05. Review status: no assertion criteria provided. Collection method: clinical testing. Allele origin: germline. Not counted in ClinVar's aggregate classification.